The following is an entry in ClinVar:

NM_198904.4(GABRG2):c.1204G>A (p.Ala402Thr)

Gene: GABRG2 (gamma-aminobutyric acid type A receptor subunit gamma2; plus strand). Cytogenetic location: 5q34.
Variant type: single nucleotide variant.
Coding change: c.1204G>A on transcript NM_198904.4 (MANE Select); coding-DNA position 1204, G replaced by A.
Protein change: p.Ala402Thr; replaces alanine 402 with threonine.
Molecular consequence: missense variant. On other transcripts: 3 prime UTR variant (1).
Genome position (GRCh38, 1-based): chr5:162,153,144, G>A. VCF-style: chr5-162153144-G-A. GRCh37 (hg19) VCF-style: chr5-161580150-G-A.
Other names: c.1180G>A, p.Ala394Thr (NM_000816.3); c.1195G>A, p.Ala399Thr (NM_001375339.1); c.*38G>A (NM_001375340.1); c.1201G>A, p.Ala401Thr (NM_001375341.1); c.1177G>A, p.Ala393Thr (NM_001375342.1); c.1300G>A, p.Ala434Thr (NM_001375343.1); c.1243G>A, p.Ala415Thr (NM_001375344.1); c.1114G>A, p.Ala372Thr (NM_001375345.1); and 6 more; short protein forms A254T, A299T, A401T, A262T, A372T, A380T, A399T, A402T.
Identifiers: ClinVar variation 1742157 (VCV001742157.9), dbSNP rs143945240, ClinGen allele CA3544977.

ClinVar aggregate classification (germline): Uncertain significance. Review status: criteria provided, multiple submitters, no conflicts (2 of 4 stars). 4 submissions from 4 submitters: Uncertain significance (4). Last evaluated 2026-09-01.

Conditions:
Inborn genetic diseases. Identifiers: MedGen C0950123, MeSH D030342.
EPILEPSY, CHILDHOOD ABSENCE, SUSCEPTIBILITY TO, 2 (ECA2). Identifiers: Orphanet 64280, MedGen C1843244, OMIM 607681.
Febrile seizures, familial, 8 (FEB8). Also called: CONVULSIONS, FAMILIAL FEBRILE, 8. Identifiers: Orphanet 36387, MedGen C1969810, MONDO:0011891, OMIM 607681.

Allele frequency attached by ClinVar (database versions not stated): ESP Exome Variant Server 0.00008.
gnomAD v4.1: 26 of 1,613,888 alleles (0.0016%); highest among the groups gnomAD compares: African/African-American, 0.004%; no homozygotes.

Submissions (4):

CeGaT Center for Human Genetics Tuebingen
Classification: Uncertain significance. Last evaluated: 2026-09-01. Review status: criteria provided, single submitter. Criteria: CeGaT Center For Human Genetics Tuebingen Variant Classification Criteria Version 2. Collection method: clinical testing. Allele origin: germline. Affected: yes. Observed: 1 variant allele.

GeneDx
Classification: Uncertain significance. Last evaluated: 2024-02-04. Review status: criteria provided, single submitter. Criteria: GeneDx Variant Classification Process June 2021. Collection method: clinical testing. Allele origin: germline. Affected: yes.
Comment: Not observed at significant frequency in large population cohorts (gnomAD); In silico analysis supports that this missense variant does not alter protein structure/function; Has not been previously published as pathogenic or benign to our knowledge

Labcorp Genetics (formerly Invitae), Labcorp
Classification: Uncertain significance for Febrile seizures, familial, 8; EPILEPSY, CHILDHOOD ABSENCE, SUSCEPTIBILITY TO, 2. Last evaluated: 2023-11-27. Review status: criteria provided, single submitter. Criteria: Invitae Variant Classification Sherloc (09022015). Collection method: clinical testing. Allele origin: germline.
Comment: This sequence change replaces alanine, which is neutral and non-polar, with threonine, which is neutral and polar, at codon 394 of the GABRG2 protein (p.Ala394Thr). This variant is not present in population databases (gnomAD no frequency). This variant has not been reported in the literature in individuals affected with GABRG2-related conditions. This variant is also known as A402T. ClinVar contains an entry for this variant (Variation ID: 1742157). Advanced modeling of protein sequence and biophysical properties (such as structural, functional, and spatial information, amino acid conservation, physicochemical variation, residue mobility, and thermodynamic stability) has been performed at Invitae for this missense variant, however the output from this modeling did not meet the statistical confidence thresholds required to predict the impact of this variant on GABRG2 protein function. Experimental studies have shown that this missense change does not substantially affect GABRG2 function (PMID: 27622563). In summary, the available evidence is currently insufficient to determine the role of this variant in disease. Therefore, it has been classified as a Variant of Uncertain Significance.

Ambry Genetics
Classification: Uncertain significance for Inborn genetic diseases. Last evaluated: 2023-05-23. Review status: criteria provided, single submitter. Criteria: Ambry Variant Classification Scheme 2023. Collection method: clinical testing. Allele origin: germline.

Literature cited by the submitters: PubMed 27622563 (cited by Labcorp Genetics (formerly Invitae), Labcorp).